The following is an entry in ClinVar:

NM_004304.5(ALK):c.2639G>A (p.Gly880Glu)

Gene: ALK (ALK receptor tyrosine kinase; minus strand). Cytogenetic location: 2p23.2.
Variant type: single nucleotide variant.
Coding change: c.2639G>A on transcript NM_004304.5 (MANE Select); coding-DNA position 2639, G replaced by A.
Protein change: p.Gly880Glu; replaces glycine 880 with glutamic acid.
Molecular consequence: missense variant.
Genome position (GRCh38, 1-based): chr2:29,229,060, C>T on the plus strand (G>A on the coding strand, the complement: ALK is on the minus strand). VCF-style: chr2-29229060-C-T. GRCh37 (hg19) VCF-style: chr2-29451926-C-T.
Other names: short protein forms G880E.
Identifiers: ClinVar variation 538175 (VCV000538175.12), dbSNP rs1179544655, ClinGen allele CA346470108.

ClinVar aggregate classification (germline): Uncertain significance. Review status: criteria provided, multiple submitters, no conflicts (2 of 4 stars). 4 submissions from 4 submitters: Uncertain significance (4). Last evaluated 2025-08-11.

Conditions:
Hereditary cancer-predisposing syndrome. Also called: Neoplastic Syndromes, Hereditary; Tumor predisposition; Hereditary Cancer Syndrome; Hereditary neoplastic syndrome. Identifiers: Orphanet 140162, MedGen C0027672, MeSH D009386, MONDO:0015356.
Neuroblastoma, susceptibility to, 3. Also called: ALK-Related Neuroblastic Tumor Susceptibility. Identifiers: Orphanet 635, MedGen C2751681, MONDO:0013083, OMIM 613014.

Submissions (4):

Labcorp Genetics (formerly Invitae), Labcorp
Classification: Uncertain significance for Neuroblastoma, susceptibility to, 3. Last evaluated: 2025-08-11. Review status: criteria provided, single submitter. Criteria: Invitae Variant Classification Sherloc (09022015). Collection method: clinical testing. Allele origin: germline.
Comment: This sequence change replaces glycine, which is neutral and non-polar, with glutamic acid, which is acidic and polar, at codon 880 of the ALK protein (p.Gly880Glu). This variant is not present in population databases (gnomAD no frequency). This variant has not been reported in the literature in individuals affected with ALK-related conditions. ClinVar contains an entry for this variant (Variation ID: 538175). An algorithm developed to predict the effect of missense changes on protein structure and function (PolyPhen-2) suggests that this variant is likely to be disruptive. In summary, the available evidence is currently insufficient to determine the role of this variant in disease. Therefore, it has been classified as a Variant of Uncertain Significance.

Ambry Genetics
Classification: Uncertain significance for Hereditary cancer-predisposing syndrome. Last evaluated: 2024-07-31. Review status: criteria provided, single submitter. Criteria: Ambry Variant Classification Scheme 2023. Collection method: clinical testing. Allele origin: germline.
Comment: The p.G880E variant (also known as c.2639G>A), located in coding exon 16 of the ALK gene, results from a G to A substitution at nucleotide position 2639. The glycine at codon 880 is replaced by glutamic acid, an amino acid with similar properties. This amino acid position is conserved. In addition, this alteration is predicted to be deleterious by in silico analysis. Since supporting evidence is limited at this time, the clinical significance of this alteration remains unclear.

GeneDx
Classification: Uncertain significance. Last evaluated: 2024-04-01. Review status: criteria provided, single submitter. Criteria: GeneDx Variant Classification Process June 2021. Collection method: clinical testing. Allele origin: germline. Affected: yes.
Comment: Not observed at significant frequency in large population cohorts (gnomAD); In silico analysis supports that this missense variant has a deleterious effect on protein structure/function; Has not been previously published as pathogenic or benign to our knowledge

Baylor Genetics
Classification: Uncertain significance for Neuroblastoma, susceptibility to, 3. Last evaluated: 2024-01-12. Review status: criteria provided, single submitter. Criteria: ACMG Guidelines, 2015. Collection method: clinical testing. Allele origin: unknown.